The following is an entry in ClinVar:

ClinVar aggregate classification (germline): Uncertain significance (1 of 4 stars; one submission).

Submission:

GeneDx
Classification: Uncertain significance. Last evaluated: 2022-05-19. Review status: criteria provided, single submitter. Criteria: GeneDx Variant Classification Process June 2021. Collection method: clinical testing. Allele origin: germline. Affected: yes.
Comment: Not observed at significant frequency in large population cohorts (gnomAD); In silico analysis supports that this missense variant has a deleterious effect on protein structure/function; Has not been previously published as pathogenic or benign to our knowledge.

NM_003737.4(DCHS1):c.7472T>C (p.Val2491Ala)

Gene: DCHS1 (dachsous cadherin-related 1; minus strand). Cytogenetic location: 11p15.4.
Variant type: single nucleotide variant.
Coding change: c.7472T>C on transcript NM_003737.4 (MANE Select); coding-DNA position 7472, T replaced by C.
Protein change: p.Val2491Ala; replaces valine 2491 with alanine.
Molecular consequence: missense variant.
Genome position (GRCh38, 1-based): chr11:6,624,204, A>G on the plus strand (T>C on the coding strand, the complement: DCHS1 is on the minus strand). VCF-style: chr11-6624204-A-G. GRCh37 (hg19) VCF-style: chr11-6645435-A-G.
Other names: short protein forms V2491A.
Identifiers: ClinVar variation 1800534 (VCV001800534.1), dbSNP rs2493813021, ClinGen allele CA379483012.